The following is an entry in ClinVar:

NM_021254.4(CFAP298):c.287T>C (p.Ile96Thr)

Genes: CFAP298 (cilia and flagella associated protein 298; minus strand), CFAP298-TCP10L (CFAP298-TCP10L readthrough; minus strand). Cytogenetic location: 21q22.11.
Variant type: single nucleotide variant.
Coding change: c.287T>C on transcript NM_021254.4 (MANE Select); coding-DNA position 287, T replaced by C.
Protein change: p.Ile96Thr; replaces isoleucine 96 with threonine.
Molecular consequence: missense variant. On other transcripts: non-coding transcript variant (2), synonymous variant (1).
Genome position (GRCh38, 1-based): chr21:32,609,858, A>G on the plus strand (T>C on the coding strand, the complement: CFAP298 is on the minus strand). VCF-style: chr21-32609858-A-G. GRCh37 (hg19) VCF-style: chr21-33982168-A-G.
Other names: c.287T>C, p.Ile96Thr (NM_001350338.2, NM_001350335.2, NM_001350336.2 and 1 more transcripts); c.58T>C, p.Leu20= (NM_001350334.2); short protein forms I96T.
Identifiers: ClinVar variation 1363856 (VCV001363856.6), dbSNP rs775768955, ClinGen allele CA10002930.

ClinVar aggregate classification (germline): Uncertain significance (1 of 4 stars; one submission).

Allele frequency attached by ClinVar (database versions not stated): gnomAD exomes below 0.00001; ExAC 0.00001; gnomAD 0.00001; TOPMed 0.00001.

Submission:

Labcorp Genetics (formerly Invitae), Labcorp
Classification: Uncertain significance. Last evaluated: 2022-07-05. Review status: criteria provided, single submitter. Criteria: Invitae Variant Classification Sherloc (09022015). Collection method: clinical testing. Allele origin: germline.
Comment: In summary, the available evidence is currently insufficient to determine the role of this variant in disease. Therefore, it has been classified as a Variant of Uncertain Significance. Algorithms developed to predict the effect of missense changes on protein structure and function are either unavailable or do not agree on the potential impact of this missense change (SIFT: "Deleterious"; PolyPhen-2: "Benign"; Align-GVGD: "Class C65"). ClinVar contains an entry for this variant (Variation ID: 1363856). This variant has not been reported in the literature in individuals affected with CFAP298-related conditions. This variant is present in population databases (rs775768955, gnomAD 0.0009%). This sequence change replaces isoleucine, which is neutral and non-polar, with threonine, which is neutral and polar, at codon 96 of the CFAP298 protein (p.Ile96Thr).